The following is an entry in ClinVar:

NM_004924.6(ACTN4):c.819+981G>T

Gene: ACTN4 (actinin alpha 4; plus strand). Cytogenetic location: 19q13.2.
Variant type: single nucleotide variant.
Coding change: c.819+981G>T on transcript NM_004924.6 (MANE Select); 981 bases into the intron after coding-DNA position 819, G replaced by T.
Molecular consequence: intron variant. On other transcripts: missense variant (2).
Genome position (GRCh38, 1-based): chr19:38,711,323, G>T. VCF-style: chr19-38711323-G-T. GRCh37 (hg19) VCF-style: chr19-39201963-G-T.
Other names: c.781G>T, p.Val261Leu (NM_001322033.2, NM_001411143.1); short protein forms V261L.
Identifiers: ClinVar variation 3033475 (VCV003033475.2), dbSNP rs778665225, ClinGen allele CA405699388.

ClinVar aggregate classification (germline): Uncertain significance (0 of 4 stars; one submission).

Conditions:
ACTN4-related disorder. Also called: ACTN4-related condition.

Submission:

PreventionGenetics, part of Exact Sciences
Classification: Uncertain significance for ACTN4-related condition. Last evaluated: 2023-12-28. Review status: no assertion criteria provided. Collection method: clinical testing. Allele origin: germline.
Comment: The ACTN4 c.781G>T variant is predicted to result in the amino acid substitution p.Val261Leu. This variant is also known as a deep intronic variant c.819+981G>T on the primary transcript NM_004924, which is predicted to have no effect on the normal splicing. To our knowledge, this variant has not been reported in the literature or in a large population database, indicating this variant is rare. At this time, the clinical significance of this variant is uncertain due to the absence of conclusive functional and genetic evidence.